The following is an entry in ClinVar:

NM_022166.4(XYLT1):c.1145G>A (p.Arg382His)

Gene: XYLT1 (xylosyltransferase 1; minus strand). Cytogenetic location: 16p12.3.
Variant type: single nucleotide variant.
Coding change: c.1145G>A on transcript NM_022166.4 (MANE Select); coding-DNA position 1145, G replaced by A.
Protein change: p.Arg382His; replaces arginine 382 with histidine.
Molecular consequence: missense variant.
Genome position (GRCh38, 1-based): chr16:17,198,356, C>T on the plus strand (G>A on the coding strand, the complement: XYLT1 is on the minus strand). VCF-style: chr16-17198356-C-T. GRCh37 (hg19) VCF-style: chr16-17292213-C-T.
Other names: short protein forms R382H.
Identifiers: ClinVar variation 2044260 (VCV002044260.3), dbSNP rs752834768, ClinGen allele CA278675269.
Genomic context (GRCh38, chr16:17,198,356, plus strand): 5'-AGGTAGGTGGACAGGAGGCTGGCTCCTCCCCAGATGGTGGCCATTCTCCAGGGGGTGACG[C>T]GGACATTGCTGTACTGCCTGGAGACCTGGAGCACTTGCCGATGCAGGTAATTAGAGCGCT-3'
Protein context (NP_071449.1, residues 372-392): LQVSRQYSNV[Arg382His]VTPWRMATIW

ClinVar aggregate classification (germline): Uncertain significance (1 of 4 stars; one submission).

Conditions:
Desbuquois dysplasia 1 (DBQD1). Also called: MICROMELIC DWARFISM WITH VERTEBRAL AND METAPHYSEAL ABNORMALITIES AND ADVANCED CARPOTARSAL OSSIFICATION; DESBUQUOIS DYSPLASIA 1, KIM VARIANT. Identifiers: Orphanet 1425, MedGen C4012146, MONDO:0009629, OMIM 251450.

Allele frequency attached by ClinVar (database versions not stated): gnomAD 0.00001; TOPMed 0.00001; gnomAD exomes 0.00002.
gnomAD v4.1: 34 of 1,614,078 alleles (0.0021%); highest among the groups gnomAD compares: Non-Finnish European, 0.0027%; no homozygotes.

Submission:

Labcorp Genetics (formerly Invitae), Labcorp
Classification: Uncertain significance for Desbuquois dysplasia 1. Last evaluated: 2025-02-10. Review status: criteria provided, single submitter. Criteria: Invitae Variant Classification Sherloc (09022015). Collection method: clinical testing. Allele origin: germline.
Comment: This sequence change replaces arginine, which is basic and polar, with histidine, which is basic and polar, at codon 382 of the XYLT1 protein (p.Arg382His). This variant is present in population databases (rs752834768, gnomAD 0.006%). This variant has not been reported in the literature in individuals affected with XYLT1-related conditions. ClinVar contains an entry for this variant (Variation ID: 2044260). Invitae Evidence Modeling of protein sequence and biophysical properties (such as structural, functional, and spatial information, amino acid conservation, physicochemical variation, residue mobility, and thermodynamic stability) indicates that this missense variant is not expected to disrupt XYLT1 protein function with a negative predictive value of 80%. In summary, the available evidence is currently insufficient to determine the role of this variant in disease. Therefore, it has been classified as a Variant of Uncertain Significance.